The following is an entry in ClinVar:

ClinVar aggregate classification (germline): Benign. Review status: reviewed by expert panel (3 of 4 stars). 13 submissions from 13 submitters: Benign (1). 12 of the submissions do not count toward it. Last evaluated 2025-08-01.

Conditions:
RPGR-related retinopathy. Also called: RPGR retinopathy. Identifiers: MedGen CN305589, MONDO:0100437.
Retinal dystrophy. Also called: Inherited retinal dystrophy. Identifiers: Orphanet 71862, MedGen C0854723, MeSH D058499, MONDO:0019118, HP:0000556.
Primary ciliary dyskinesia. Also called: Ciliary dyskinesia. Identifiers: Orphanet 244, MedGen C0008780, MONDO:0016575, HP:0012265.

Allele frequency attached by ClinVar (database versions not stated): ExAC 0.10171; TOPMed 0.10429; gnomAD exomes 0.06318 and 0.10140; 1000 Genomes Project 0.12927; ESP Exome Variant Server 0.08853; gnomAD 0.09261 and 0.09274; 1000 Genomes Project 30x 0.12966.
gnomAD v4.1: 79,597 of 1,205,424 alleles (6.6%); highest among the groups gnomAD compares: Admixed American, 20%; 2,698 homozygotes.

Submissions 1 to 23 of 67:

ClinGen X-linked Inherited Retinal Disease Variant Curation Expert Panel, ClinGen
Classification: Benign for RPGR-related retinopathy. Last evaluated: 2025-08-01. Review status: reviewed by expert panel. Criteria: ClinGen X LinkedIRD ACMG Specifications RPGR V1.0.0. Collection method: curation. Allele origin: germline. Inheritance: X-linked inheritance.
Comment: NM_001034853.2(RPGR):c.1274G>A (p.Arg425Lys) is a missense variant predicted to cause substitution of arginine by lysine at amino acid 425. This variant is present in gnomAD v4.1.0 at a frequency of 0.06617 among hemizygous individuals, with 26,057 variant alleles / 393,794 total hemizygous alleles, which is higher than the ClinGen X-linked IRD VCEP BA1 threshold of >0.00005 (BA1). This variant has been observed in more than 15 / 344 individuals with no features or family history of RPGR-related retinopathy, a condition with full penetrance at an early age (PMIDs: 10980543, 11992260). However, it is not clear whether these individuals underwent a complete visual examination, so BS2 was not met. The computational predictor REVEL gives a score of 0.005, which is below the ClinGen X-linked IRD VCEP threshold of <0.016 and predicts a non-damaging effect on RPGR function. Additionally, the splicing impact predictor SpliceAI gives a delta score of 0.05, which is below the ClinGen X-linked IRD VCEP recommended threshold of <0.1 and does not strongly predict an impact on splicing (BP4_Strong). In summary, this variant is classified as benign for RPGR-related retinopathy based on the ClinGen X-linked Inherited Retinal Disease Expert Panel Specifications to the ACMG/AMP Variant Interpretation Guidelines for RPGR Version 1.0.0; BA1 and BP4_Strong. (date of approval 05/16/2025).

Labcorp Genetics (formerly Invitae), Labcorp
Classification: Benign for Primary ciliary dyskinesia. Last evaluated: 2026-02-04. Review status: criteria provided, single submitter. Criteria: Invitae Variant Classification Sherloc (09022015). Collection method: clinical testing. Allele origin: germline. Not counted in ClinVar's aggregate classification.

Women's Health and Genetics/Laboratory Corporation of America, LabCorp
Classification: Benign. Last evaluated: 2025-11-14. Review status: criteria provided, single submitter. Criteria: LabCorp Variant Classification Summary - May 2015. Collection method: clinical testing. Allele origin: germline. Not counted in ClinVar's aggregate classification.
Comment: Variant summary: RPGR c.1274G>A (p.Arg425Lys) results in a conservative amino acid change in the encoded protein sequence. Algorithms developed to predict the effect of missense changes on protein structure and function all suggest that this variant is likely to be tolerated. The variant allele was found at a frequency of 0.1 in 182620 control chromosomes in the gnomAD database, including 1026 homozygotes. The observed variant frequency exceeds the estimated maximal expected allele frequency for disease-causing variants in RPGR. To our knowledge, no occurrence of c.1274G>A in individuals affected with RPGR-related conditions and no experimental evidence demonstrating its impact on protein function have been reported. ClinVar contains an entry for this variant (Variation ID: 98734). Based on the evidence outlined above, the variant was classified as benign.

Dept Of Ophthalmology, Nagoya University
Classification: Benign for Retinal dystrophy. Last evaluated: 2023-10-01. Review status: criteria provided, single submitter. Criteria: Submitter's publication. Collection method: research. Allele origin: germline. Affected: yes. Not counted in ClinVar's aggregate classification.

Mayo Clinic Laboratories, Mayo Clinic
Classification: Benign. Last evaluated: 2022-04-26. Review status: criteria provided, single submitter. Criteria: ACMG Guidelines, 2015. Collection method: clinical testing. Allele origin: germline. Observed: 15 variant alleles. Not counted in ClinVar's aggregate classification.

GeneDx
Classification: Benign. Last evaluated: 2018-07-09. Review status: criteria provided, single submitter. Criteria: GeneDx Variant Classification Process June 2021. Collection method: clinical testing. Allele origin: germline. Affected: yes. Not counted in ClinVar's aggregate classification.

Laboratory for Molecular Medicine, Mass General Brigham Personalized Medicine
Classification: Benign. Last evaluated: 2015-01-13. Review status: criteria provided, single submitter. Criteria: LMM Criteria. Collection method: clinical testing. Allele origin: germline. Observed: 5 variant alleles. Not counted in ClinVar's aggregate classification.
Comment: p.Arg425Lys in exon 11 of RPGR: This variant is not expected to have clinical si gnificance because it has been identified in 15.4% (591/3833) of African America n chromosomes from a broad population by the NHLBI Exome Sequencing Project (dbSNP rs1801687).

Ambry Genetics
Classification: Benign for Primary ciliary dyskinesia. Last evaluated: 2014-12-26. Review status: criteria provided, single submitter. Criteria: Ambry Variant Classification Scheme 2023. Collection method: clinical testing. Allele origin: germline. Not counted in ClinVar's aggregate classification.

Eurofins Ntd Llc (ga)
Classification: Benign. Last evaluated: 2014-06-24. Review status: criteria provided, single submitter. Criteria: EGL Classification Definitions 2015. Collection method: clinical testing. Allele origin: germline. Observed: 1 variant allele, 1 hemizygote. Not counted in ClinVar's aggregate classification.

Breakthrough Genomics
Classification: Benign. Review status: criteria provided, single submitter. Criteria: ACMG Guidelines, 2015. Collection method: not provided. Allele origin: germline. Inheritance: X-linked inheritance. Affected: yes. Not counted in ClinVar's aggregate classification.

PreventionGenetics, part of Exact Sciences
Classification: Benign. Review status: criteria provided, single submitter. Criteria: ACMG Guidelines, 2015. Collection method: clinical testing. Allele origin: germline. Not counted in ClinVar's aggregate classification.

Dr. Peter K. Rogan Lab, Western University
No classification provided (evidence only). Condition: Melanoma. Review status: no classification provided. Collection method: in vitro. Allele origin: not applicable. Functional consequence: retained intron. Not counted in ClinVar's aggregate classification.

Dr. Peter K. Rogan Lab, Western University
No classification provided (evidence only). Condition: Melanoma. Review status: no classification provided. Collection method: in vitro. Allele origin: not applicable. Functional consequence: retained intron. Not counted in ClinVar's aggregate classification.

Dr. Peter K. Rogan Lab, Western University
No classification provided (evidence only). Condition: Melanoma. Review status: no classification provided. Collection method: in vitro. Allele origin: not applicable. Functional consequence: retained intron. Not counted in ClinVar's aggregate classification.

Dr. Peter K. Rogan Lab, Western University
No classification provided (evidence only). Condition: Melanoma. Review status: no classification provided. Collection method: in vitro. Allele origin: not applicable. Functional consequence: retained intron. Not counted in ClinVar's aggregate classification.

Dr. Peter K. Rogan Lab, Western University
No classification provided (evidence only). Condition: Melanoma. Review status: no classification provided. Collection method: in vitro. Allele origin: not applicable. Functional consequence: retained intron. Not counted in ClinVar's aggregate classification.

Dr. Peter K. Rogan Lab, Western University
No classification provided (evidence only). Condition: Melanoma. Review status: no classification provided. Collection method: in vitro. Allele origin: not applicable. Functional consequence: retained intron. Not counted in ClinVar's aggregate classification.

Dr. Peter K. Rogan Lab, Western University
No classification provided (evidence only). Condition: Melanoma. Review status: no classification provided. Collection method: in vitro. Allele origin: not applicable. Functional consequence: retained intron. Not counted in ClinVar's aggregate classification.

Dr. Peter K. Rogan Lab, Western University
No classification provided (evidence only). Condition: Melanoma. Review status: no classification provided. Collection method: in vitro. Allele origin: not applicable. Functional consequence: retained intron. Not counted in ClinVar's aggregate classification.

Dr. Peter K. Rogan Lab, Western University
No classification provided (evidence only). Condition: Melanoma. Review status: no classification provided. Collection method: in vitro. Allele origin: not applicable. Functional consequence: retained intron. Not counted in ClinVar's aggregate classification.

Dr. Peter K. Rogan Lab, Western University
No classification provided (evidence only). Condition: Melanoma. Review status: no classification provided. Collection method: in vitro. Allele origin: not applicable. Functional consequence: retained intron. Not counted in ClinVar's aggregate classification.

Dr. Peter K. Rogan Lab, Western University
No classification provided (evidence only). Condition: Melanoma. Review status: no classification provided. Collection method: in vitro. Allele origin: not applicable. Functional consequence: retained intron. Not counted in ClinVar's aggregate classification.

Dr. Peter K. Rogan Lab, Western University
No classification provided (evidence only). Condition: Melanoma. Review status: no classification provided. Collection method: in vitro. Allele origin: not applicable. Functional consequence: retained intron. Not counted in ClinVar's aggregate classification.

NM_001034853.2(RPGR):c.1274G>A (p.Arg425Lys)

Gene: RPGR (retinitis pigmentosa GTPase regulator; minus strand). Cytogenetic location: Xp11.4.
Variant type: single nucleotide variant.
Coding change: c.1274G>A on transcript NM_001034853.2 (MANE Select); coding-DNA position 1274, G replaced by A.
Protein change: p.Arg425Lys; replaces arginine 425 with lysine.
Molecular consequence: missense variant. On other transcripts: non-coding transcript variant (6).
Genome position (GRCh38, 1-based): chrX:38,297,424, C>T on the plus strand (G>A on the coding strand, the complement: RPGR is on the minus strand). VCF-style: chrX-38297424-C-T. GRCh37 (hg19) VCF-style: chrX-38156677-C-T.
Other names: NM_001034853.2(RPGR):c.1274G>A; c.1274G>A, p.Arg425Lys (NM_000328.3, NM_001367247.1); c.1271G>A, p.Arg424Lys (NM_001367245.1, NM_001367249.1, NM_001367250.1); c.1088G>A, p.Arg363Lys (NM_001367246.1, NM_001367251.1); c.1304G>A, p.Arg435Lys (NM_001367248.1); short protein forms R425K, R363K, R424K, R435K.
Identifiers: ClinVar variation 98734 (VCV000098734.30), dbSNP rs1801687, ClinGen allele CA200780.